The following is an entry in ClinVar:

ClinVar aggregate classification (germline): Uncertain significance (1 of 4 stars; one submission).

Conditions:
Cardiovascular phenotype. Identifiers: MedGen CN230736.

gnomAD v4.1: 2 of 1,612,738 alleles (0.00012%); highest among the groups gnomAD compares: African/African-American, 0.0027%; no homozygotes.

Submission:

Ambry Genetics
Classification: Uncertain significance for Cardiovascular phenotype. Last evaluated: 2024-04-07. Review status: criteria provided, single submitter. Criteria: Ambry Variant Classification Scheme 2023. Collection method: clinical testing. Allele origin: germline.
Comment: The p.N73H variant (also known as c.217A>C), located in coding exon 3 of the CACNA2D1 gene, results from an A to C substitution at nucleotide position 217. The asparagine at codon 73 is replaced by histidine, an amino acid with similar properties. This amino acid position is conserved. In addition, this alteration is predicted to be tolerated by in silico analysis. Based on the available evidence, the clinical significance of this variant remains unclear.

NM_000722.4(CACNA2D1):c.217A>C (p.Asn73His)

Gene: CACNA2D1 (calcium voltage-gated channel auxiliary subunit alpha2delta 1; minus strand). Cytogenetic location: 7q21.11.
Variant type: single nucleotide variant.
Coding change: c.217A>C on transcript NM_000722.4 (MANE Select); coding-DNA position 217, A replaced by C.
Protein change: p.Asn73His; replaces asparagine 73 with histidine.
Molecular consequence: missense variant.
Genome position (GRCh38, 1-based): chr7:82,335,212, T>G on the plus strand (A>C on the coding strand, the complement: CACNA2D1 is on the minus strand). VCF-style: chr7-82335212-T-G. GRCh37 (hg19) VCF-style: chr7-81964528-T-G.
Other names: c.217A>C, p.Asn73His (NM_001302890.2, NM_001366867.1); short protein forms N73H.
Identifiers: ClinVar variation 3262811 (VCV003262811.1).